The following is an entry in ClinVar:

ClinVar aggregate classification (germline): Uncertain significance. Review status: criteria provided, multiple submitters, no conflicts (2 of 4 stars). 2 submissions from 2 submitters: Uncertain significance (2). Last evaluated 2025-12-02.

Conditions:
Inborn genetic diseases. Identifiers: MedGen C0950123, MeSH D030342.

Allele frequency attached by ClinVar (database versions not stated): gnomAD 0.00001; gnomAD exomes 0.00001 and 0.00002; TOPMed 0.00001.
gnomAD v4.1: 24 of 1,604,538 alleles (0.0015%); highest among the groups gnomAD compares: Middle Eastern, 0.017%; no homozygotes.

Submissions (2):

Ambry Genetics
Classification: Uncertain significance for Inborn genetic diseases. Last evaluated: 2025-12-02. Review status: criteria provided, single submitter. Criteria: Ambry Variant Classification Scheme 2023. Collection method: clinical testing. Allele origin: germline.

Labcorp Genetics (formerly Invitae), Labcorp
Classification: Uncertain significance. Last evaluated: 2025-08-08. Review status: criteria provided, single submitter. Criteria: Invitae Variant Classification Sherloc (09022015). Collection method: clinical testing. Allele origin: germline.
Comment: This sequence change replaces threonine, which is neutral and polar, with methionine, which is neutral and non-polar, at codon 1210 of the DCHS1 protein (p.Thr1210Met). This variant is present in population databases (no rsID available, gnomAD 0.003%). This variant has not been reported in the literature in individuals affected with DCHS1-related conditions. ClinVar contains an entry for this variant (Variation ID: 1485555). Invitae Evidence Modeling of protein sequence and biophysical properties (such as structural, functional, and spatial information, amino acid conservation, physicochemical variation, residue mobility, and thermodynamic stability) has been performed for this missense variant. However, the output from this modeling did not meet the statistical confidence thresholds required to predict the impact of this variant on DCHS1 protein function. In summary, the available evidence is currently insufficient to determine the role of this variant in disease. Therefore, it has been classified as a Variant of Uncertain Significance.

NM_003737.4(DCHS1):c.3629C>T (p.Thr1210Met)

Gene: DCHS1 (dachsous cadherin-related 1; minus strand). Cytogenetic location: 11p15.4.
Variant type: single nucleotide variant.
Coding change: c.3629C>T on transcript NM_003737.4 (MANE Select); coding-DNA position 3629, C replaced by T.
Protein change: p.Thr1210Met; replaces threonine 1210 with methionine.
Molecular consequence: missense variant.
Genome position (GRCh38, 1-based): chr11:6,631,662, G>A on the plus strand (C>T on the coding strand, the complement: DCHS1 is on the minus strand). VCF-style: chr11-6631662-G-A. GRCh37 (hg19) VCF-style: chr11-6652893-G-A.
Other names: c.3629C>T (NM_003737.2); short protein forms T1210M.
Identifiers: ClinVar variation 1485555 (VCV001485555.7), dbSNP rs1283433834, ClinGen allele CA379411357.